The following is an entry in ClinVar:

NM_199420.4(POLQ):c.3137A>T (p.Lys1046Met)

Gene: POLQ (DNA polymerase theta; minus strand). Cytogenetic location: 3q13.33.
Variant type: single nucleotide variant.
Coding change: c.3137A>T on transcript NM_199420.4 (MANE Select); coding-DNA position 3137, A replaced by T.
Protein change: p.Lys1046Met; replaces lysine 1046 with methionine.
Molecular consequence: missense variant.
Genome position (GRCh38, 1-based): chr3:121,489,794, T>A on the plus strand (A>T on the coding strand, the complement: POLQ is on the minus strand). VCF-style: chr3-121489794-T-A. GRCh37 (hg19) VCF-style: chr3-121208641-T-A.
Other names: short protein forms K1046M.
Identifiers: ClinVar variation 1728023 (VCV001728023.2), dbSNP rs771272410, ClinGen allele CA2563118.

ClinVar aggregate classification (germline): Uncertain significance (1 of 4 stars; one submission).

Allele frequency attached by ClinVar (database versions not stated): gnomAD exomes below 0.00001; ExAC 0.00001.
gnomAD v4.1: 3 of 1,612,940 alleles (0.00019%); highest among the groups gnomAD compares: Non-Finnish European, 0.00025%; no homozygotes.

Submission:

Ambry Genetics
Classification: Uncertain significance. Last evaluated: 2021-08-15. Review status: criteria provided, single submitter. Criteria: Ambry Variant Classification Scheme 2023. Collection method: clinical testing. Allele origin: germline.
Comment: The p.K1046M variant (also known as c.3137A>T), located in coding exon 16 of the POLQ gene, results from an A to T substitution at nucleotide position 3137. The lysine at codon 1046 is replaced by methionine, an amino acid with similar properties. This amino acid position is conserved. In addition, this alteration is predicted to be tolerated by in silico analysis. Since supporting evidence is limited at this time, the clinical significance of this alteration remains unclear.